The following is an entry in ClinVar:

ClinVar aggregate classification (germline): Benign. Review status: criteria provided, multiple submitters, no conflicts (2 of 4 stars). 4 submissions from 4 submitters: Benign (4). Last evaluated 2026-02-04.

Conditions:
Phosphoenolpyruvate carboxykinase deficiency, cytosolic (PCKDC). Also called: PCK1 DEFICIENCY, CYTOSOLIC; PEPCK DEFICIENCY, CYTOSOLIC. Identifiers: Orphanet 2880, MedGen C5574905, MONDO:0009866, OMIM 261680.

Allele frequency attached by ClinVar (database versions not stated): 1000 Genomes Project 30x 0.39522; 1000 Genomes Project 0.39696; TOPMed 0.42948; gnomAD 0.43786 and 0.43803; ESP Exome Variant Server 0.44795.
gnomAD v4.1: 778,755 of 1,612,858 alleles (48%); highest among the groups gnomAD compares: Middle Eastern, 58%; 191,377 homozygotes.

Submissions (4):

Labcorp Genetics (formerly Invitae), Labcorp
Classification: Benign. Last evaluated: 2026-02-04. Review status: criteria provided, single submitter. Criteria: Invitae Variant Classification Sherloc (09022015). Collection method: clinical testing. Allele origin: germline.

Genome-Nilou Lab
Classification: Benign for Phosphoenolpyruvate carboxykinase deficiency, cytosolic. Last evaluated: 2021-09-05. Review status: criteria provided, single submitter. Criteria: ACMG Guidelines, 2015. Collection method: clinical testing. Allele origin: germline. Affected: no.

Illumina Laboratory Services, Illumina
Classification: Benign for Phosphoenolpyruvate carboxykinase deficiency, cytosolic. Last evaluated: 2018-01-12. Review status: criteria provided, single submitter. Criteria: ICSL Variant Classification Criteria 13 December 2019. Collection method: clinical testing. Allele origin: germline.
Comment: This variant was observed in the ICSL laboratory as part of a predisposition screen in an ostensibly healthy population. It had not been previously curated by ICSL or reported in the Human Gene Mutation Database (HGMD: prior to June 1st, 2018), and was therefore a candidate for classification through an automated scoring system. Utilizing variant allele frequency, disease prevalence and penetrance estimates, and inheritance mode, an automated score was calculated to assess if this variant is too frequent to cause the disease. Based on the score and internal cut-off values, a variant classified as benign is not then subjected to further curation. The score for this variant resulted in a classification of benign for this disease.

Breakthrough Genomics
Classification: Benign. Review status: criteria provided, single submitter. Criteria: ACMG Guidelines, 2015. Collection method: not provided. Allele origin: germline. Inheritance: Autosomal recessive inheritance. Affected: yes.

NM_002591.4(PCK1):c.69A>G (p.Leu23=)

Gene: PCK1 (phosphoenolpyruvate carboxykinase 1; plus strand). Cytogenetic location: 20q13.31.
Variant type: single nucleotide variant.
Coding change: c.69A>G on transcript NM_002591.4 (MANE Select); coding-DNA position 69, A replaced by G.
Protein change: p.Leu23=; no amino-acid change (leucine 23 retained).
Molecular consequence: synonymous variant.
Genome position (GRCh38, 1-based): chr20:57,561,480, A>G. VCF-style: chr20-57561480-A-G. GRCh37 (hg19) VCF-style: chr20-56136536-A-G.
Identifiers: ClinVar variation 338868 (VCV000338868.15), dbSNP rs1042521, ClinGen allele CA9921884.
Genomic context (GRCh38, chr20:57,561,480, plus strand): 5'-TCAGCTGCAAAACGGCCTGAACCTCTCGGCCAAAGTTGTCCAGGGAAGCCTGGACAGCCT[A>G]CCCCAGGCAGTGAGGGAGTTTCTCGAGAATAACGCTGAGCTGTGTCAGCCTGATCACATC-3'
Protein context (NP_002582.3, residues 13-33): AKVVQGSLDS[Leu23=]PQAVREFLEN